The following is an entry in ClinVar:

ClinVar aggregate classification (germline): Conflicting classifications of pathogenicity. Review status: criteria provided, conflicting classifications (1 of 4 stars). 11 submissions from 10 submitters: Uncertain significance (6); Likely benign (4). 1 of the submissions does not count toward it. Last evaluated 2026-01-27.

Conditions:
NF1-related disorder. Also called: NF1-related condition. Identifiers: MedGen CN379171.
Cardiovascular phenotype. Identifiers: MedGen CN230736.
Hereditary cancer-predisposing syndrome. Also called: Neoplastic Syndromes, Hereditary; Hereditary Cancer Syndrome; Tumor predisposition; Hereditary neoplastic syndrome. Identifiers: Orphanet 140162, MedGen C0027672, MeSH D009386, MONDO:0015356.
Neurofibromatosis, type 1 (NF1). Also called: VON RECKLINGHAUSEN DISEASE; NEUROFIBROMATOSIS, TYPE I, SOMATIC; Peripheral type neurofibromatosis; Neurofibromatosis, type I. Identifiers: Orphanet 636, MedGen C0027831, MONDO:0018975, OMIM 162200. Disease mechanism: loss of function.

Allele frequency attached by ClinVar (database versions not stated): 1000 Genomes Project 30x 0.00016; gnomAD exomes 0.00003; TOPMed 0.00004; ExAC 0.00003; 1000 Genomes Project 0.00020.
gnomAD v4.1: 119 of 1,613,962 alleles (0.0074%); highest among the groups gnomAD compares: Non-Finnish European, 0.0098%; no homozygotes.

Submissions (11):

Labcorp Genetics (formerly Invitae), Labcorp
Classification: Likely benign for Neurofibromatosis, type 1. Last evaluated: 2026-01-27. Review status: criteria provided, single submitter. Criteria: Invitae Variant Classification Sherloc (09022015). Collection method: clinical testing. Allele origin: germline.

St. Jude Molecular Pathology, St. Jude Children's Research Hospital
Classification: Uncertain significance for Neurofibromatosis, type 1. Last evaluated: 2025-06-17. Review status: criteria provided, single submitter. Criteria: St. Jude Assertion Criteria 2020. Collection method: clinical testing. Allele origin: germline.
Comment: The NF1 c.7847G>A p.(Arg2616Gln) missense change has a maximum subpopulation frequency of 0.0070% in gnomAD v2.1.1. The in silico tool REVEL predicts a benign effect on protein function, but to our knowledge this prediction has not been confirmed by functional studies. In one family with neurofibromatosis type 1, this variant was found to co-occur with a pathogenic NF1 mutation p.Arg304* in the proband, but did not co-segregate with disease in one affected family member (PMID: 10862084). This variant was also reported in an individual with VGLL2-rearranged rhabdomyosarcoma (PMID: 339493441), and in two siblings with Asperger syndrome (PMID: 23999528). In summary, the evidence currently available is insufficient to determine the clinical significance of this variant. It has therefore been classified as of uncertain significance.

Dasa
Classification: Uncertain significance. Last evaluated: 2025-05-30. Review status: criteria provided, single submitter. Criteria: DASA Assertion Criteria. Collection method: clinical testing. Allele origin: germline.
Comment: NM_001042492.3(NF1):c.7910G>A (p.Arg2637Gln) is a missense variant that results in the substitution of arginine with glutamine. This variant is rare in population databases. Computational prediction algorithms are consistent with a benign effect. The currently available literature and clinical evidence are not sufficient to establish a definitive association between this variant and the reported condition. Therefore, this variant is classified as a variant of uncertain significance.

Quest Diagnostics Nichols Institute San Juan Capistrano
Classification: Likely benign. Last evaluated: 2024-04-19. Review status: criteria provided, single submitter. Criteria: Quest Diagnostics criteria. Collection method: clinical testing. Allele origin: unknown.

Medical Genetics, University of Parma
Classification: Uncertain significance for Neurofibromatosis, type 1. Last evaluated: 2022-08-17. Review status: criteria provided, single submitter. Criteria: ACMG Guidelines, 2015. Collection method: clinical testing. Allele origin: germline. Inheritance: Autosomal dominant inheritance. Affected: yes.

Ambry Genetics
Classification: Likely benign for Cardiovascular phenotype; Hereditary cancer-predisposing syndrome. Last evaluated: 2019-03-28. Review status: criteria provided, single submitter. Criteria: Ambry Variant Classification Scheme 2023. Collection method: clinical testing. Allele origin: germline.

GeneDx
Classification: Uncertain significance. Last evaluated: 2018-04-18. Review status: criteria provided, single submitter. Criteria: GeneDx Variant Classification (06012015). Collection method: clinical testing. Allele origin: germline. Affected: yes.
Comment: This variant is denoted NF1 c.7847G>A at the cDNA level, p.Arg2616Gln (R2616Q) at the protein level, and results in the change of an Arginine to a Glutamine (CGA>CAA). This variant was observed in a family with a clinical diagnosis of neurofibromatosis type 1; however, a pathogenic nonsense variant in NF1 was found to segregate with disease in this family (Messiaen 2000). This variant was also observed in two siblings with Asperger syndrome (Toma 2014). NF1 Arg2616Gln was observed at an allele frequency of 0.007% (8/111,574) in individuals of European ancestry in large population cohorts (Lek 2016). This variant is located in the C-terminal domain (Luo 2014). In silico analysis, which includes protein predictors and evolutionary conservation, supports a deleterious effect. Based on currently available evidence, it is unclear whether NF1 Arg2616Gln is a pathogenic or benign variant. We consider it to be a variant of uncertain significance.

Phosphorus, Inc.
Classification: Uncertain significance for Neurofibromatosis, type 1. Last evaluated: 2017-08-01. Review status: criteria provided, single submitter. Criteria: ACMG Guidelines, 2015. Collection method: clinical testing. Allele origin: germline. Observed: 1 variant allele.

ARUP Laboratories, Molecular Genetics and Genomics, ARUP Laboratories
Classification: Likely benign. Last evaluated: 2017-06-16. Review status: criteria provided, single submitter. Criteria: ARUP Molecular Germline Variant Investigation Process. Collection method: clinical testing. Allele origin: germline.
Comment: The NF1 c.7910G>A; p.Arg2637Gln variant (rs560262404), also known as c.7847G>A; p.Arg2616Gln, has been reported in the literature in a patient who carries a pathogenic NF1 variant in trans, and did not segregate with disease in this family (Messiaen 2000). This variant is reported in ClinVar (Variation ID: 141130), and is observed in general population databases at frequencies of 0.02 percent (1/5008 alleles, 1000 Genome Project), and 0.007 percent (8/111574 alleles, Genome Aggregation Database). The arginine at codon 2637 is highly conserved, but computational algorithms do not agree as to the effect this variant may have on the protein (SIFT: Tolerated, PolyPhen2: Probably Damaging, MutationTaster: Disease Causing, Align GVGD: C0). Taken together, this variant is considered likely benign. REFERENCES Link to ClinVar database for p.Arg2637Gln: Messiaen LM et al. Exhaustive mutation analysis of the NF1 gene allows identification of 95% of mutations and reveals a high frequency of unusual splicing defects. Hum Mutat. 2000;15(6):541-55.

Ambry Genetics
Classification: Uncertain significance for Hereditary cancer-predisposing syndrome. Last evaluated: 2015-11-06. Review status: criteria provided, single submitter. Criteria: Ambry Autosomal Dominant and X-Linked criteria (10/2015). Collection method: clinical testing. Allele origin: germline. Observed: 1 variant allele.
Comment: Thep.R2637Qvariant (also known as c.7910G>A), located in coding exon 54 of theNF1gene, results from a G to A substitution at nucleotide position 7910. The arginine at codon 2637 is replaced by glutamine, an amino acid with highly similar properties. This variant was not reported in population based cohorts in the following databases: Database of Single Nucleotide Polymorphisms (dbSNP), NHLBI Exome Sequencing Project (ESP), and 1000 Genomes Project. In the ESP, this variant was not observed in 6503 samples (13006 alleles) with coverage at this position. To date, this alteration has been detected with an allele frequency of approximately 0.004% (greater than 110000 alleles tested) in our clinical cohort. This amino acid position is highly conserved in available vertebrate species. In addition, the in silico prediction for this alteration is inconclusive. Since supporting evidence is limited at this time, the clinical significance of p.R2637Q remains unclear.

PreventionGenetics, part of Exact Sciences
Classification: Likely benign for NF1-related condition. Last evaluated: 2024-03-05. Review status: no assertion criteria provided. Collection method: clinical testing. Allele origin: germline. Not counted in ClinVar's aggregate classification.
Comment: This variant is classified as likely benign based on ACMG/AMP sequence variant interpretation guidelines (Richards et al. 2015 PMID: 25741868, with internal and published modifications).

Literature cited by the submitters: PubMed 10862084 (cited by Quest Diagnostics Nichols Institute San Juan Capistrano); PubMed 33471991 (cited by Quest Diagnostics Nichols Institute San Juan Capistrano); PubMed 10712197 (cited by Quest Diagnostics Nichols Institute San Juan Capistrano); PubMed 23999528 (cited by Quest Diagnostics Nichols Institute San Juan Capistrano and Ambry Genetics).

NM_001042492.3(NF1):c.7910G>A (p.Arg2637Gln)

Gene: NF1 (neurofibromin 1; plus strand). Cytogenetic location: 17q11.2.
Variant type: single nucleotide variant.
Coding change: c.7910G>A on transcript NM_001042492.3 (MANE Select); coding-DNA position 7910, G replaced by A.
Protein change: p.Arg2637Gln; replaces arginine 2637 with glutamine.
Molecular consequence: missense variant.
Genome position (GRCh38, 1-based): chr17:31,357,309, G>A. VCF-style: chr17-31357309-G-A. GRCh37 (hg19) VCF-style: chr17-29684327-G-A.
Other names: c.7847G>A, p.Arg2616Gln (NM_000267.4); short protein forms R2616Q, R2637Q.
Identifiers: ClinVar variation 141130 (VCV000141130.33), dbSNP rs560262404, ClinGen allele CA164550.